The following is an entry in ClinVar:

NM_152419.3(HGSNAT):c.1510C>T (p.Leu504=)

Gene: HGSNAT (heparan-alpha-glucosaminide N-acetyltransferase; plus strand). Cytogenetic location: 8p11.21.
Variant type: single nucleotide variant.
Coding change: c.1510C>T on transcript NM_152419.3 (MANE Select); coding-DNA position 1510, C replaced by T.
Protein change: p.Leu504=; no amino-acid change (leucine 504 retained).
Molecular consequence: synonymous variant.
Genome position (GRCh38, 1-based): chr8:43,196,993, C>T. VCF-style: chr8-43196993-C-T. GRCh37 (hg19) VCF-style: chr8-43052136-C-T.
Other names: c.646C>T, p.Leu216= (NM_001363229.2); c.1597C>T, p.Leu533= (NM_001363227.2); c.1318C>T, p.Leu440= (NM_001363228.2).
Identifiers: ClinVar variation 2934728 (VCV002934728.5), dbSNP rs2487114532, ClinGen allele CA460579482.

ClinVar aggregate classification (germline): Likely benign. Review status: criteria provided, multiple submitters, no conflicts (2 of 4 stars). 2 submissions from 2 submitters: Likely benign (2). Last evaluated 2026-05-01.

Conditions:
Mucopolysaccharidosis, MPS-III-C (MPS3C). Also called: mucopolysaccharidosis type 3C; Mucopolysaccharidosis type IIIC (Sanfilippo C); MPS IIIC (Sanfilippo Syndrome Type C); MUCOPOLYSACCHARIDOSIS, TYPE IIIC; SANFILIPPO SYNDROME C; MPS III C. Identifiers: Orphanet 581, Orphanet 79271, MedGen C0086649, MONDO:0009657, OMIM 252930.
Retinitis pigmentosa 73 (RP73). Identifiers: Orphanet 791, MedGen C4225287, MONDO:0014687, OMIM 616544.

Submissions (2):

CeGaT Center for Human Genetics Tuebingen
Classification: Likely benign. Last evaluated: 2026-05-01. Review status: criteria provided, single submitter. Criteria: CeGaT Center For Human Genetics Tuebingen Variant Classification Criteria Version 2. Collection method: clinical testing. Allele origin: germline. Affected: yes. Observed: 1 variant allele.
Comment: HGSNAT: PM2:Supporting, BP4, BP7

Labcorp Genetics (formerly Invitae), Labcorp
Classification: Likely benign for Retinitis pigmentosa 73; Mucopolysaccharidosis, MPS-III-C. Last evaluated: 2023-10-26. Review status: criteria provided, single submitter. Criteria: Invitae Variant Classification Sherloc (09022015). Collection method: clinical testing. Allele origin: germline.